The following is an entry in ClinVar:

NM_000138.5(FBN1):c.5648A>G (p.Asn1883Ser)

Gene: FBN1 (fibrillin 1; minus strand). Cytogenetic location: 15q21.1.
Variant type: single nucleotide variant.
Coding change: c.5648A>G on transcript NM_000138.5 (MANE Select); coding-DNA position 5648, A replaced by G.
Protein change: p.Asn1883Ser; replaces asparagine 1883 with serine.
Molecular consequence: missense variant.
Genome position (GRCh38, 1-based): chr15:48,448,791, T>C on the plus strand (A>G on the coding strand, the complement: FBN1 is on the minus strand). VCF-style: chr15-48448791-T-C. GRCh37 (hg19) VCF-style: chr15-48740988-T-C.
Other names: c.5648A>G, p.Asn1883Ser (NM_001406716.1); short protein forms N1883S.
Identifiers: ClinVar variation 4756157 (VCV004756157.1).
Genomic context (GRCh38, chr15:48,448,791, plus strand): 5'-CAGCATATGAAAAAAATAATAATAATTGCATACTTACCCAAGCACATGGTTTGGTCATCA[T>C]TTGTTTTAAAACCAGTGTGGCAAAGGCAATAAAAGCTTCCAACTGTGTCAATGCACTGCC-3'
Protein context (NP_000129.3, residues 1873-1893): YCLCHTGFKT[Asn1883Ser]DDQTMCLDIN

ClinVar aggregate classification (germline): Uncertain significance (1 of 4 stars; one submission).

Conditions:
Familial thoracic aortic aneurysm and aortic dissection (TAAD). Also called: Thoracic aortic aneurysms and dissections. Identifiers: Orphanet 91387, MedGen C4707243, MONDO:0019625.

gnomAD v4.1: 1 of 1,613,028 alleles (0.000062%); highest among the groups gnomAD compares: South Asian, 0.0011%; no homozygotes.

Submission:

Color Diagnostics, LLC DBA Color Health
Classification: Uncertain significance for Familial thoracic aortic aneurysm and aortic dissection. Last evaluated: 2025-08-28. Review status: criteria provided, single submitter. Criteria: ACMG Guidelines, 2015. Collection method: clinical testing. Allele origin: germline.
Comment: This missense variant replaces asparagine with serine at codon 1883 of the FBN1 protein. Computational prediction suggests that this variant may not impact protein structure and function. To our knowledge, functional studies have not been reported for this variant. This variant has not been reported in individuals affected with FBN1-related disorders in the literature. This variant has been identified in 2/250900 chromosomes in the general population by the Genome Aggregation Database (gnomAD). The available evidence is insufficient to determine the role of this variant in disease conclusively. Therefore, this variant is classified as a Variant of Uncertain Significance.